The following is an entry in ClinVar:

NM_014975.3(MAST1):c.141G>A (p.Pro47=)

Genes: MAST1 (microtubule associated serine/threonine kinase 1; plus strand), LOC130063672 (ATAC-STARR-seq lymphoblastoid active region 14087; plus strand). Cytogenetic location: 19p13.13.
Variant type: single nucleotide variant.
Coding change: c.141G>A on transcript NM_014975.3 (MANE Select); coding-DNA position 141, G replaced by A.
Protein change: p.Pro47=; no amino-acid change (proline 47 retained).
Molecular consequence: synonymous variant.
Genome position (GRCh38, 1-based): chr19:12,840,503, G>A. VCF-style: chr19-12840503-G-A. GRCh37 (hg19) VCF-style: chr19-12951317-G-A.
Identifiers: ClinVar variation 2068547 (VCV002068547.6), dbSNP rs536538023, ClinGen allele CA9232506.

ClinVar aggregate classification (germline): Benign/Likely benign. Review status: criteria provided, multiple submitters, no conflicts (2 of 4 stars). 2 submissions from 2 submitters: Benign (1); Likely benign (1). Last evaluated 2026-05-01.

Allele frequency attached by ClinVar (database versions not stated): TOPMed below 0.00001; gnomAD 0.00009; gnomAD exomes 0.00009; 1000 Genomes Project 30x 0.00016; 1000 Genomes Project 0.00020; ExAC 0.00021.
gnomAD v4.1: 149 of 1,614,002 alleles (0.0092%); highest among the groups gnomAD compares: South Asian, 0.15%; 3 homozygotes.

Submissions (2):

CeGaT Center for Human Genetics Tuebingen
Classification: Likely benign. Last evaluated: 2026-05-01. Review status: criteria provided, single submitter. Criteria: CeGaT Center For Human Genetics Tuebingen Variant Classification Criteria Version 2. Collection method: clinical testing. Allele origin: germline. Affected: yes. Observed: 1 variant allele.
Comment: MAST1: BP4, BP7, BS1

Labcorp Genetics (formerly Invitae), Labcorp
Classification: Benign. Last evaluated: 2024-02-24. Review status: criteria provided, single submitter. Criteria: Invitae Variant Classification Sherloc (09022015). Collection method: clinical testing. Allele origin: germline.